The following is an entry in ClinVar:

ClinVar aggregate classification (germline): Uncertain significance (1 of 4 stars; one submission).

Conditions:
Frontotemporal dementia and/or amyotrophic lateral sclerosis 4. Also called: FTDALS4. Identifiers: Orphanet 275872, MedGen C4225325, MONDO:0014641, OMIM 616439.

Submission:

Labcorp Genetics (formerly Invitae), Labcorp
Classification: Uncertain significance for Frontotemporal dementia and/or amyotrophic lateral sclerosis 4. Last evaluated: 2025-04-08. Review status: criteria provided, single submitter. Criteria: Invitae Variant Classification Sherloc (09022015). Collection method: clinical testing. Allele origin: germline.
Comment: This sequence change replaces isoleucine, which is neutral and non-polar, with valine, which is neutral and non-polar, at codon 145 of the TBK1 protein (p.Ile145Val). This variant is present in population databases (rs773092409, gnomAD 0.01%). This variant has not been reported in the literature in individuals affected with TBK1-related conditions. Invitae Evidence Modeling of protein sequence and biophysical properties (such as structural, functional, and spatial information, amino acid conservation, physicochemical variation, residue mobility, and thermodynamic stability) indicates that this missense variant is not expected to disrupt TBK1 protein function with a negative predictive value of 95%. In summary, the available evidence is currently insufficient to determine the role of this variant in disease. Therefore, it has been classified as a Variant of Uncertain Significance.

NM_013254.4(TBK1):c.433A>G (p.Ile145Val)

Gene: TBK1 (TANK binding kinase 1; plus strand). Cytogenetic location: 12q14.2.
Variant type: single nucleotide variant.
Coding change: c.433A>G on transcript NM_013254.4 (MANE Select); coding-DNA position 433, A replaced by G.
Protein change: p.Ile145Val; replaces isoleucine 145 with valine.
Molecular consequence: missense variant.
Genome position (GRCh38, 1-based): chr12:64,466,975, A>G. VCF-style: chr12-64466975-A-G. GRCh37 (hg19) VCF-style: chr12-64860755-A-G.
Other names: short protein forms I145V.
Identifiers: ClinVar variation 4807823 (VCV004807823.1).